The following is an entry in ClinVar:

ClinVar aggregate classification (germline): Uncertain significance (1 of 4 stars; one submission).

Conditions:
Familial cold autoinflammatory syndrome 3 (FCAS3). Also called: FAMILIAL ATYPICAL COLD URTICARIA; ANTIBODY DEFICIENCY AND IMMUNE DYSREGULATION, PLCG2-ASSOCIATED. Identifiers: Orphanet 300359, MedGen C3280914, MONDO:0013766, OMIM 614468.

Submission:

Labcorp Genetics (formerly Invitae), Labcorp
Classification: Uncertain significance for Familial cold autoinflammatory syndrome 3. Last evaluated: 2024-10-02. Review status: criteria provided, single submitter. Criteria: Invitae Variant Classification Sherloc (09022015). Collection method: clinical testing. Allele origin: germline.
Comment: This sequence change affects codon 1190 of the PLCG2 mRNA. It is a 'silent' change, meaning that it does not change the encoded amino acid sequence of the PLCG2 protein. This variant also falls at the last nucleotide of exon 31, which is part of the consensus splice site for this exon. This variant is not present in population databases (gnomAD no frequency). This variant has not been reported in the literature in individuals affected with PLCG2-related conditions. Variants that disrupt the consensus splice site are a relatively common cause of aberrant splicing (PMID: 17576681, 9536098). Algorithms developed to predict the effect of sequence changes on RNA splicing suggest that this variant may disrupt the consensus splice site. In summary, the available evidence is currently insufficient to determine the role of this variant in disease. Therefore, it has been classified as a Variant of Uncertain Significance.

Literature cited by the submitters: PubMed 17576681; PubMed 9536098.

NM_002661.5(PLCG2):c.3570G>A (p.Leu1190=)

Gene: PLCG2 (phospholipase C gamma 2; plus strand). Cytogenetic location: 16q23.3.
Variant type: single nucleotide variant.
Coding change: c.3570G>A on transcript NM_002661.5 (MANE Select); coding-DNA position 3570, G replaced by A.
Protein change: p.Leu1190=; no amino-acid change (leucine 1190 retained).
Molecular consequence: synonymous variant.
Genome position (GRCh38, 1-based): chr16:81,946,263, G>A. VCF-style: chr16-81946263-G-A. GRCh37 (hg19) VCF-style: chr16-81979868-G-A.
Other names: c.3570G>A, p.Leu1190= (NM_001425749.1, NM_001425750.1, NM_001425751.1).
Identifiers: ClinVar variation 3717779 (VCV003717779.2).